The following is an entry in ClinVar:

NM_001114632.2(JMJD7):c.343G>A (p.Val115Met)

Genes: JMJD7 (jumonji domain containing 7; plus strand), JMJD7-PLA2G4B (JMJD7-PLA2G4B readthrough; plus strand). Cytogenetic location: 15q15.1.
Variant type: single nucleotide variant.
Coding change: c.343G>A on transcript NM_001114632.2 (MANE Select); coding-DNA position 343, G replaced by A.
Protein change: p.Val115Met; replaces valine 115 with methionine.
Molecular consequence: missense variant.
Genome position (GRCh38, 1-based): chr15:41,835,094, G>A. VCF-style: chr15-41835094-G-A. GRCh37 (hg19) VCF-style: chr15-42127292-G-A.
Other names: c.343G>A, p.Val115Met (NM_005090.4, NM_001198588.2); short protein forms V115M.
Identifiers: ClinVar variation 3035070 (VCV003035070.3), dbSNP rs80284393, ClinGen allele CA7499020.

ClinVar aggregate classification (germline): Uncertain significance. Review status: criteria provided, single submitter (1 of 4 stars). 2 submissions from 2 submitters: Uncertain significance (1). 1 of the submissions does not count toward it. Last evaluated 2025-11-19.

Conditions:
JMJD7-related disorder. Also called: JMJD7-related condition.

Allele frequency attached by ClinVar (database versions not stated): ExAC 0.00069; gnomAD 0.00182; 1000 Genomes Project 0.00220; 1000 Genomes Project 30x 0.00265; ESP Exome Variant Server 0.00284.

Submissions (2):

Ambry Genetics
Classification: Uncertain significance. Last evaluated: 2025-11-19. Review status: criteria provided, single submitter. Criteria: Ambry Variant Classification Scheme 2023. Collection method: clinical testing. Allele origin: germline.

PreventionGenetics, part of Exact Sciences
Classification: Likely benign for JMJD7-related condition. Last evaluated: 2019-02-22. Review status: no assertion criteria provided. Collection method: clinical testing. Allele origin: germline. Not counted in ClinVar's aggregate classification.
Comment: This variant is classified as likely benign based on ACMG/AMP sequence variant interpretation guidelines (Richards et al. 2015 PMID: 25741868, with internal and published modifications).